The following is an entry in ClinVar:

ClinVar aggregate classification (germline): Likely benign. Review status: reviewed by expert panel (3 of 4 stars). 3 submissions from 3 submitters: Likely benign (1). 2 of the submissions do not count toward it. Last evaluated 2026-05-04.

Conditions:
Hereditary thrombocytopenia and hematologic cancer predisposition syndrome. Identifiers: Orphanet 71290, MedGen CN281654, MONDO:0011071.
Hereditary thrombocytopenia and hematological cancer predisposition syndrome associated with RUNX1. Also called: PLATELET DISORDER, ASPIRIN-LIKE; RUNX1 Familial Platelet Disorder with Associated Myeloid Malignancies; Familial Platelet Disorder with Propensity to Acute Myelogenous Leukemia; Familial thrombocytopenia with propensity to acute myelogenous leukemia. Identifiers: Orphanet 71290, MedGen C1832388, MeSH C563324, MONDO:0100083, OMIM 601399.

Submissions (3):

ClinGen Myeloid Malignancy Variant Curation Expert Panel
Classification: Likely benign for Hereditary thrombocytopenia and hematologic cancer predisposition syndrome. Last evaluated: 2026-05-04. Review status: reviewed by expert panel. Criteria: ClinGen MyeloMalig ACMG Specifications V3.1. Collection method: curation. Allele origin: germline. Inheritance: Autosomal dominant inheritance.
Comment: The NM_001754.5(RUNX1):c.117C>T (p.Arg39=) is a synonymous variant which is completely absent from all population databases with at least 20x coverage for RUNX1 (PM2_supporting). This variant has a SpliceAI score ≤ 0.20 (0.01) (BP4, BP7). In summary, this variant meets criteria to be classified as likely benign. ACMG/AMP criteria applied, as specified by the Myeloid Malignancy Variant Curation Expert Panel for RUNX1: PM2_supporting, BP4, BP7.

GeneDx
Classification: Uncertain significance. Last evaluated: 2023-10-25. Review status: criteria provided, single submitter. Criteria: GeneDx Variant Classification Process June 2021. Collection method: clinical testing. Allele origin: germline. Affected: yes. Not counted in ClinVar's aggregate classification.
Comment: Not observed at significant frequency in large population cohorts (gnomAD); In silico analysis supports that this variant does not alter splicing; Has not been previously published as pathogenic or benign to our knowledge

Labcorp Genetics (formerly Invitae), Labcorp
Classification: Likely benign for Hereditary thrombocytopenia and hematological cancer predisposition syndrome associated with RUNX1. Last evaluated: 2020-11-16. Review status: criteria provided, single submitter. Criteria: Invitae Variant Classification Sherloc (09022015). Collection method: clinical testing. Allele origin: germline. Not counted in ClinVar's aggregate classification.

NM_001754.5(RUNX1):c.117C>T (p.Arg39=)

Gene: RUNX1 (RUNX family transcription factor 1; minus strand). Cytogenetic location: 21q22.12.
Variant type: single nucleotide variant.
Coding change: c.117C>T on transcript NM_001754.5 (MANE Select); coding-DNA position 117, C replaced by T.
Protein change: p.Arg39=; no amino-acid change (arginine 39 retained).
Molecular consequence: synonymous variant.
Genome position (GRCh38, 1-based): chr21:34,887,077, G>A on the plus strand (C>T on the coding strand, the complement: RUNX1 is on the minus strand). VCF-style: chr21-34887077-G-A. GRCh37 (hg19) VCF-style: chr21-36259374-G-A.
Other names: NM_001754.5(RUNX1):c.117C>T; p.Arg39=; c.36C>T, p.Arg12= (NM_001001890.3, NM_001122607.2); c.117C>T (NM_001754.4).
Identifiers: ClinVar variation 1097518 (VCV001097518.13), dbSNP rs2146414229, ClinGen allele CA512318989.